The following is an entry in ClinVar:

ClinVar aggregate classification (germline): Likely benign (1 of 4 stars; one submission).

Conditions:
Hereditary cancer. Identifiers: MedGen C1333600.

Submission:

Mendelics
Classification: Likely benign for Hereditary cancer. Last evaluated: 2025-02-04. Review status: criteria provided, single submitter. Criteria: ACMG Guidelines, 2015. Collection method: clinical testing. Allele origin: unknown.
Comment: This variant is considered likely benign or benign based on one or more of the following: it is predicted to be benign by multiple in silico algorithms, and/or has population frequency not consistent with disease, and/or has normal protein function, and/or has lack of segregation with disease, and/or has been detected in co-occurrence with known pathogenic variant, and/or has lack of disease association in case-control studies, and/or is located in a region inconsistent with a known cause of pathogenicity. GnomAD Frequencey 0.00 /0 Homozygotes..Variant with frequency in internal controls

NM_006910.5(RBBP6):c.952-26T>A

Gene: RBBP6 (RB binding protein 6, ubiquitin ligase; plus strand). Cytogenetic location: 16p12.1.
Variant type: single nucleotide variant.
Coding change: c.952-26T>A on transcript NM_006910.5 (MANE Select); 26 bases into the intron before coding-DNA position 952, T replaced by A.
Molecular consequence: intron variant.
Genome position (GRCh38, 1-based): chr16:24,561,798, T>A. VCF-style: chr16-24561798-T-A. GRCh37 (hg19) VCF-style: chr16-24573119-T-A.
Other names: c.952-26T>A (NM_018703.4).
Identifiers: ClinVar variation 3764508 (VCV003764508.1).
Genomic context (GRCh38, chr16:24,561,798, plus strand): 5'-TGAAAAAATTCTTTTTAACTGATTTAACTGTACTTCAGTGAATACTGCATAACATTTTTC[T>A]GCATTATTATGCTTGGTATCTGTAGGCTGTAAATAACTTCAAAAATGAAACTGGCTATAC-3'